The following is an entry in ClinVar:

NM_174916.3(UBR1):c.4093C>T (p.Gln1365Ter)

Gene: UBR1 (ubiquitin protein ligase E3 component n-recognin 1; minus strand). Cytogenetic location: 15q15.2.
Variant type: single nucleotide variant.
Coding change: c.4093C>T on transcript NM_174916.3 (MANE Select); coding-DNA position 4093, C replaced by T.
Protein change: p.Gln1365Ter; replaces glutamine 1365 with a stop codon.
Molecular consequence: nonsense.
Genome position (GRCh38, 1-based): chr15:42,983,954, G>A on the plus strand (C>T on the coding strand, the complement: UBR1 is on the minus strand). VCF-style: chr15-42983954-G-A. GRCh37 (hg19) VCF-style: chr15-43276152-G-A.
Other names: short protein forms Q1365*.
Identifiers: ClinVar variation 2736185 (VCV002736185.3), dbSNP rs1042166926, ClinGen allele CA269920670.

ClinVar aggregate classification (germline): Pathogenic (1 of 4 stars; one submission).

Allele frequency attached by ClinVar (database versions not stated): gnomAD 0.00001; gnomAD exomes 0.00001; TOPMed 0.00001.
gnomAD v4.1: 22 of 1,613,176 alleles (0.0014%); highest among the groups gnomAD compares: African/African-American, 0.004%; no homozygotes.

Submission:

Labcorp Genetics (formerly Invitae), Labcorp
Classification: Pathogenic. Last evaluated: 2023-03-02. Review status: criteria provided, single submitter. Criteria: Invitae Variant Classification Sherloc (09022015). Collection method: clinical testing. Allele origin: germline.
Comment: For these reasons, this variant has been classified as Pathogenic. This premature translational stop signal has been observed in individual(s) with Johanson–Blizzard syndrome (PMID: 24599544). This variant is not present in population databases (gnomAD no frequency). This sequence change creates a premature translational stop signal (p.Gln1365*) in the UBR1 gene. It is expected to result in an absent or disrupted protein product. Loss-of-function variants in UBR1 are known to be pathogenic (PMID: 24599544).

Literature cited by the submitters: PubMed 24599544.